The following is an entry in ClinVar:

ClinVar aggregate classification (germline): Likely benign. Review status: reviewed by expert panel (3 of 4 stars). 9 submissions from 9 submitters: Likely benign (1). 8 of the submissions do not count toward it. Last evaluated 2017-06-29.

Conditions:
BRCA2-related cancer predisposition. Identifiers: MedGen CN377758, MONDO:0700269.
Hereditary cancer-predisposing syndrome. Also called: Tumor predisposition; Hereditary Cancer Syndrome; Hereditary neoplastic syndrome; Neoplastic Syndromes, Hereditary. Identifiers: Orphanet 140162, MedGen C0027672, MeSH D009386, MONDO:0015356.
Hereditary breast ovarian cancer syndrome. Also called: Breast and ovarian cancer; Hereditary breast and ovarian cancer syndrome; Hereditary breast and ovarian cancer; BRCA1- and BRCA2-Associated Hereditary Breast and Ovarian Cancer; Hereditary breast and ovarian cancer syndrome (HBOC); Hereditary breast and/or ovarian cancer syndrome. Identifiers: Orphanet 145, MedGen C0677776, MeSH D061325, MONDO:0003582. Disease mechanism: loss of function.
Breast-ovarian cancer, familial, susceptibility to, 2 (BROVCA2). Also called: BRCA2 Hereditary Breast and Ovarian Cancer. Identifiers: Orphanet 145, MedGen C2675520, MONDO:0012933, OMIM 612555. Disease mechanism: loss of function.

Allele frequency attached by ClinVar (database versions not stated): gnomAD exomes below 0.00001 and 0.00001; gnomAD 0.00001; ExAC 0.00002; 1000 Genomes Project 0.00040; 1000 Genomes Project 30x 0.00062.
gnomAD v4.1: 7 of 1,613,310 alleles (0.00043%); highest among the groups gnomAD compares: Admixed American, 0.012%; no homozygotes.

Submissions (9):

Evidence-based Network for the Interpretation of Germline Mutant Alleles (ENIGMA)
Classification: Likely benign for Breast-ovarian cancer, familial, susceptibility to, 2. Last evaluated: 2017-06-29. Review status: reviewed by expert panel. Criteria: ENIGMA BRCA1/2 Classification Criteria (2017-06-29). Collection method: curation. Allele origin: germline.
Comment: Synonymous substitution variant, with low bioinformatic likelihood to result in a splicing aberration (Splicing prior probability 0.02).

Labcorp Genetics (formerly Invitae), Labcorp
Classification: Likely benign for Hereditary breast ovarian cancer syndrome. Last evaluated: 2026-01-06. Review status: criteria provided, single submitter. Criteria: Invitae Variant Classification Sherloc (09022015). Collection method: clinical testing. Allele origin: germline. Not counted in ClinVar's aggregate classification.

All of Us Research Program, National Institutes of Health
Classification: Likely benign for BRCA2-related cancer predisposition. Last evaluated: 2024-07-29. Review status: criteria provided, single submitter. Criteria: ACMG Guidelines, 2015. Collection method: clinical testing. Allele origin: germline. Inheritance: Autosomal dominant inheritance. Observed: 5 variant alleles, 5 heterozygotes. Not counted in ClinVar's aggregate classification.
Comment: This study involves interpretation of variants in research participants for the purpose of population health screening. Participant phenotype was not available at the time of variant classification. Additional details can be found in publication PMID: 35346344, PMCID: PMC8962531

Women's Health and Genetics/Laboratory Corporation of America, LabCorp
Classification: Likely benign. Last evaluated: 2020-09-28. Review status: criteria provided, single submitter. Criteria: LabCorp Variant Classification Summary - May 2015. Collection method: clinical testing. Allele origin: germline. Not counted in ClinVar's aggregate classification.

GeneDx
Classification: Likely benign. Last evaluated: 2019-03-08. Review status: criteria provided, single submitter. Criteria: GeneDx Variant Classification Process June 2021. Collection method: clinical testing. Allele origin: germline. Affected: yes. Not counted in ClinVar's aggregate classification.

Quest Diagnostics Nichols Institute San Juan Capistrano
Classification: Likely benign. Last evaluated: 2018-08-30. Review status: criteria provided, single submitter. Criteria: Quest Diagnostics criteria. Collection method: clinical testing. Allele origin: germline. Not counted in ClinVar's aggregate classification.

Color Diagnostics, LLC DBA Color Health
Classification: Likely benign for Hereditary cancer-predisposing syndrome. Last evaluated: 2017-06-14. Review status: criteria provided, single submitter. Criteria: ACMG Guidelines, 2015. Collection method: clinical testing. Allele origin: germline. Not counted in ClinVar's aggregate classification.

Ambry Genetics
Classification: Likely benign for Hereditary cancer-predisposing syndrome. Last evaluated: 2014-07-23. Review status: criteria provided, single submitter. Criteria: Ambry Variant Classification Scheme 2023. Collection method: clinical testing. Allele origin: germline. Not counted in ClinVar's aggregate classification.

Counsyl
Classification: Likely benign for Breast-ovarian cancer, familial, susceptibility to, 2. Last evaluated: 2015-12-10. Review status: no assertion criteria provided. Collection method: clinical testing. Allele origin: unknown. Not counted in ClinVar's aggregate classification.

NM_000059.4(BRCA2):c.4858T>C (p.Leu1620=)

Gene: BRCA2 (BRCA2 DNA repair associated; plus strand). Cytogenetic location: 13q13.1.
Variant type: single nucleotide variant.
Coding change: c.4858T>C on transcript NM_000059.4 (MANE Select); coding-DNA position 4858, T replaced by C.
Protein change: p.Leu1620=; no amino-acid change (leucine 1620 retained).
Molecular consequence: synonymous variant.
Genome position (GRCh38, 1-based): chr13:32,339,213, T>C. VCF-style: chr13-32339213-T-C. GRCh37 (hg19) VCF-style: chr13-32913350-T-C.
Identifiers: ClinVar variation 185574 (VCV000185574.29), dbSNP rs528771743, ClinGen allele CA020926.